The following is an entry in ClinVar:

NM_015102.5(NPHP4):c.279+1G>A

Gene: NPHP4 (nephrocystin 4; minus strand). Cytogenetic location: 1p36.31.
Variant type: single nucleotide variant.
Coding change: c.279+1G>A on transcript NM_015102.5 (MANE Select); the canonical splice donor site of the intron after coding-DNA position 279, G replaced by A.
Molecular consequence: splice donor variant. On other transcripts: intron variant (1).
Genome position (GRCh38, 1-based): chr1:5,978,269, C>T on the plus strand (G>A on the coding strand, the complement: NPHP4 is on the minus strand). VCF-style: chr1-5978269-C-T. GRCh37 (hg19) VCF-style: chr1-6038329-C-T.
Other names: c.-1087-9010G>A (NM_001291594.2); c.-951+1G>A (NM_001291593.2).
Identifiers: ClinVar variation 2747409 (VCV002747409.3), dbSNP rs2523978952, ClinGen allele CA338052589.
Genomic context (GRCh38, chr1:5,978,269, plus strand): 5'-GACCACCCGCACACACACCCTCCGCCTTGGAGCAGCCCCTGCCACCATCACCAGGGCCCA[C>T]CTCATTAAAGACGATCCTGGACGGCGGTCTCTTCGTCGGCTTCACTGTGGTTTTCCACGT-3'

ClinVar aggregate classification (germline): Likely pathogenic (1 of 4 stars; one submission).

Conditions:
Nephronophthisis. Also called: Juvenile Nephronophthisis. Identifiers: Orphanet 655, MedGen C0687120, MONDO:0019005, HP:0000090.

Allele frequency attached by ClinVar (database versions not stated): gnomAD exomes below 0.00001.
gnomAD v4.1: 2 of 1,604,408 alleles (0.00012%); highest among the groups gnomAD compares: Non-Finnish European, 0.00017%; no homozygotes.

Submission:

Labcorp Genetics (formerly Invitae), Labcorp
Classification: Likely pathogenic for Nephronophthisis. Last evaluated: 2023-07-27. Review status: criteria provided, single submitter. Criteria: Invitae Variant Classification Sherloc (09022015). Collection method: clinical testing. Allele origin: germline.
Comment: This sequence change affects a donor splice site in intron 3 of the NPHP4 gene. It is expected to disrupt RNA splicing. Variants that disrupt the donor or acceptor splice site typically lead to a loss of protein function (PMID: 16199547), and loss-of-function variants in NPHP4 are known to be pathogenic (PMID: 12205563, 23559409). This variant is not present in population databases (gnomAD no frequency). This variant has not been reported in the literature in individuals affected with NPHP4-related conditions. Algorithms developed to predict the effect of sequence changes on RNA splicing suggest that this variant may disrupt the consensus splice site. In summary, the currently available evidence indicates that the variant is pathogenic, but additional data are needed to prove that conclusively. Therefore, this variant has been classified as Likely Pathogenic.

Literature cited by the submitters: PubMed 16199547; PubMed 12205563; PubMed 23559409.